The following is an entry in ClinVar:

ClinVar aggregate classification (germline): Conflicting classifications of pathogenicity. Review status: criteria provided, conflicting classifications (1 of 4 stars). 3 submissions from 3 submitters: Uncertain significance (2); Likely benign (1). Last evaluated 2025-12-14.

Allele frequency attached by ClinVar (database versions not stated): gnomAD exomes 0.00002; ESP Exome Variant Server 0.00008; ExAC 0.00002; TOPMed 0.00005.
gnomAD v4.1: 32 of 1,613,634 alleles (0.002%); highest among the groups gnomAD compares: Non-Finnish European, 0.0026%; no homozygotes.

Submissions (3):

Labcorp Genetics (formerly Invitae), Labcorp
Classification: Likely benign. Last evaluated: 2025-12-14. Review status: criteria provided, single submitter. Criteria: Invitae Variant Classification Sherloc (09022015). Collection method: clinical testing. Allele origin: germline.

GeneDx
Classification: Uncertain significance. Last evaluated: 2024-10-07. Review status: criteria provided, single submitter. Criteria: GeneDx Variant Classification Process June 2021. Collection method: clinical testing. Allele origin: germline. Affected: yes.
Comment: Not observed at significant frequency in large population cohorts (gnomAD); In silico analysis indicates that this missense variant does not alter protein structure/function; Has not been previously published as pathogenic or benign to our knowledge

Blueprint Genetics
Classification: Uncertain significance. Last evaluated: 2022-07-22. Review status: criteria provided, single submitter. Criteria: ACMG Guidelines, 2015. Collection method: clinical testing. Allele origin: germline.

NM_032119.4(ADGRV1):c.17891A>C (p.Gln5964Pro)

Gene: ADGRV1 (adhesion G protein-coupled receptor V1; plus strand). Cytogenetic location: 5q14.3.
Variant type: single nucleotide variant.
Coding change: c.17891A>C on transcript NM_032119.4 (MANE Select); coding-DNA position 17891, A replaced by C.
Protein change: p.Gln5964Pro; replaces glutamine 5964 with proline.
Molecular consequence: missense variant. On other transcripts: non-coding transcript variant (1).
Genome position (GRCh38, 1-based): chr5:90,965,449, A>C. VCF-style: chr5-90965449-A-C. GRCh37 (hg19) VCF-style: chr5-90261266-A-C.
Other names: c.17891A>C (NM_032119.3); short protein forms Q5964P.
Identifiers: ClinVar variation 1002432 (VCV001002432.10), dbSNP rs368705652, ClinGen allele CA3342499.